The following is an entry in ClinVar:

NM_001256789.3(CACNA1F):c.3868A>G (p.Met1290Val)

Gene: CACNA1F (calcium voltage-gated channel subunit alpha1 F; minus strand). Cytogenetic location: Xp11.23.
Variant type: single nucleotide variant.
Coding change: c.3868A>G on transcript NM_001256789.3 (MANE Select); coding-DNA position 3868, A replaced by G.
Protein change: p.Met1290Val; replaces methionine 1290 with valine.
Molecular consequence: missense variant.
Genome position (GRCh38, 1-based): chrX:49,212,741, T>C on the plus strand (A>G on the coding strand, the complement: CACNA1F is on the minus strand). VCF-style: chrX-49212741-T-C. GRCh37 (hg19) VCF-style: chrX-49069201-T-C.
Other names: c.3706A>G, p.Met1236Val (NM_001256790.3); c.3901A>G, p.Met1301Val (NM_005183.4); short protein forms M1236V, M1290V, M1301V.
Identifiers: ClinVar variation 849757 (VCV000849757.8), dbSNP rs200416937, ClinGen allele CA10410339.

ClinVar aggregate classification (germline): Uncertain significance (1 of 4 stars; one submission).

Allele frequency attached by ClinVar (database versions not stated): TOPMed 0.00014; 1000 Genomes Project 0.00079; 1000 Genomes Project 30x 0.00104.

Submission:

Labcorp Genetics (formerly Invitae), Labcorp
Classification: Uncertain significance. Last evaluated: 2025-10-21. Review status: criteria provided, single submitter. Criteria: Invitae Variant Classification Sherloc (09022015). Collection method: clinical testing. Allele origin: germline.
Comment: This sequence change replaces methionine, which is neutral and non-polar, with valine, which is neutral and non-polar, at codon 1301 of the CACNA1F protein (p.Met1301Val). This variant is present in population databases (rs200416937, gnomAD 0.01%). This variant has not been reported in the literature in individuals affected with CACNA1F-related conditions. ClinVar contains an entry for this variant (Variation ID: 849757). Invitae Evidence Modeling of protein sequence and biophysical properties (such as structural, functional, and spatial information, amino acid conservation, physicochemical variation, residue mobility, and thermodynamic stability) indicates that this missense variant is not expected to disrupt CACNA1F protein function with a negative predictive value of 80%. In summary, the available evidence is currently insufficient to determine the role of this variant in disease. Therefore, it has been classified as a Variant of Uncertain Significance.